The following is an entry in ClinVar:

NM_000395.3(CSF2RB):c.1913A>C (p.Gln638Pro)

Gene: CSF2RB (colony stimulating factor 2 receptor subunit beta; plus strand). Cytogenetic location: 22q12.3.
Variant type: single nucleotide variant.
Coding change: c.1913A>C on transcript NM_000395.3 (MANE Select); coding-DNA position 1913, A replaced by C.
Protein change: p.Gln638Pro; replaces glutamine 638 with proline.
Molecular consequence: missense variant.
Genome position (GRCh38, 1-based): chr22:36,937,721, A>C. VCF-style: chr22-36937721-A-C. GRCh37 (hg19) VCF-style: chr22-37333763-A-C.
Other names: c.1931A>C, p.Gln644Pro (NM_001410827.1); short protein forms Q638P, Q644P.
Identifiers: ClinVar variation 1714007 (VCV001714007.5), dbSNP rs1291810903, ClinGen allele CA411410447.

ClinVar aggregate classification (germline): Uncertain significance (1 of 4 stars; one submission).

Allele frequency attached by ClinVar (database versions not stated): gnomAD exomes below 0.00001; TOPMed below 0.00001.
gnomAD v4.1: 2 of 1,557,830 alleles (0.00013%); highest among the groups gnomAD compares: Non-Finnish European, 0.000087%; no homozygotes.

Submission:

Labcorp Genetics (formerly Invitae), Labcorp
Classification: Uncertain significance. Last evaluated: 2022-07-27. Review status: criteria provided, single submitter. Criteria: Invitae Variant Classification Sherloc (09022015). Collection method: clinical testing. Allele origin: germline.
Comment: In summary, the available evidence is currently insufficient to determine the role of this variant in disease. Therefore, it has been classified as a Variant of Uncertain Significance. Algorithms developed to predict the effect of missense changes on protein structure and function are either unavailable or do not agree on the potential impact of this missense change (SIFT: "Tolerated"; PolyPhen-2: "Possibly Damaging"; Align-GVGD: "Class C0"). This variant has not been reported in the literature in individuals affected with CSF2RB-related conditions. This variant is not present in population databases (gnomAD no frequency). This sequence change replaces glutamine, which is neutral and polar, with proline, which is neutral and non-polar, at codon 638 of the CSF2RB protein (p.Gln638Pro).